The following is an entry in ClinVar:

NM_001005242.3(PKP2):c.1896G>T (p.Trp632Cys)

Gene: PKP2 (plakophilin 2; minus strand). Cytogenetic location: 12p11.21.
Variant type: single nucleotide variant.
Coding change: c.1896G>T on transcript NM_001005242.3 (MANE Select); coding-DNA position 1896, G replaced by T.
Protein change: p.Trp632Cys; replaces tryptophan 632 with cysteine.
Molecular consequence: missense variant.
Genome position (GRCh38, 1-based): chr12:32,821,473, C>A on the plus strand (G>T on the coding strand, the complement: PKP2 is on the minus strand). VCF-style: chr12-32821473-C-A. GRCh37 (hg19) VCF-style: chr12-32974407-C-A.
Other names: c.2028G>T, p.Trp676Cys (NM_004572.4); short protein forms W676C, W632C.
Identifiers: ClinVar variation 920494 (VCV000920494.15), dbSNP rs193922673, ClinGen allele CA384361911.

ClinVar aggregate classification (germline): Uncertain significance. Review status: criteria provided, multiple submitters, no conflicts (2 of 4 stars). 4 submissions from 4 submitters: Uncertain significance (4). Last evaluated 2025-07-09.

Conditions:
Cardiomyopathy (CMYO). Also called: Cardiomyopathies. Identifiers: Orphanet 167848, MedGen C0878544, MONDO:0004994, HP:0001638. Inheritance: Various modes of inheritance.
Arrhythmogenic right ventricular cardiomyopathy (ARVD). Also called: Arrhythmogenic cardiomyopathy; Cardiomyopathy, ARVC; Arrhythmogenic right ventricular dysplasia; Arrhythmogenic Right Ventricular Cardiomyopathy (ARVC). Identifiers: Orphanet 247, MedGen C0349788, MeSH D019571, MONDO:0016587. Disease mechanism: loss of function. Inheritance: Various modes of inheritance.
Arrhythmogenic right ventricular dysplasia 9 (ARVD9). Also called: Arrhythmogenic Right Ventricular Dysplasia/Cardiomyopathy 9; ARRHYTHMOGENIC RIGHT VENTRICULAR DYSPLASIA, FAMILIAL, 9. Identifiers: MedGen C1836906, MONDO:0012180, OMIM 609040.

Allele frequency attached by ClinVar (database versions not stated): gnomAD 0.00001; TOPMed 0.00002.
gnomAD v4.1: 16 of 1,613,892 alleles (0.00099%); highest among the groups gnomAD compares: Non-Finnish European, 0.0014%; no homozygotes.

Submissions (4):

GeneDx
Classification: Uncertain significance. Last evaluated: 2025-07-09. Review status: criteria provided, single submitter. Criteria: GeneDx Variant Classification Process June 2021. Collection method: clinical testing. Allele origin: germline. Affected: yes.
Comment: Not observed at significant frequency in large population cohorts (gnomAD); In silico analysis supports that this missense variant has a deleterious effect on protein structure/function; Has not been previously published as pathogenic or benign to our knowledge

Color Diagnostics, LLC DBA Color Health
Classification: Uncertain significance for Cardiomyopathy. Last evaluated: 2025-05-12. Review status: criteria provided, single submitter. Criteria: ACMG Guidelines, 2015. Collection method: clinical testing. Allele origin: germline.
Comment: This missense variant replaces tryptophan with cysteine at codon 676 of the PKP2 protein. Computational prediction is inconclusive regarding the impact of this variant on protein structure and function. To our knowledge, functional studies have not been reported for this variant. This variant has not been reported in individuals affected with PKP2-related disorders in the literature. This variant has not been identified in the general population by the Genome Aggregation Database (gnomAD). The available evidence is insufficient to determine the role of this variant in disease conclusively. Therefore, this variant is classified as a Variant of Uncertain Significance.

Labcorp Genetics (formerly Invitae), Labcorp
Classification: Uncertain significance for Arrhythmogenic right ventricular dysplasia 9. Last evaluated: 2024-05-29. Review status: criteria provided, single submitter. Criteria: Invitae Variant Classification Sherloc (09022015). Collection method: clinical testing. Allele origin: germline.
Comment: This sequence change replaces tryptophan, which is neutral and slightly polar, with cysteine, which is neutral and slightly polar, at codon 676 of the PKP2 protein (p.Trp676Cys). This variant is not present in population databases (gnomAD no frequency). This variant has not been reported in the literature in individuals affected with PKP2-related conditions. ClinVar contains an entry for this variant (Variation ID: 920494). An algorithm developed to predict the effect of missense changes on protein structure and function (PolyPhen-2) suggests that this variant is likely to be disruptive. In summary, the available evidence is currently insufficient to determine the role of this variant in disease. Therefore, it has been classified as a Variant of Uncertain Significance.

All of Us Research Program, National Institutes of Health
Classification: Uncertain significance for Arrhythmogenic right ventricular cardiomyopathy. Last evaluated: 2023-03-09. Review status: criteria provided, single submitter. Criteria: ACMG Guidelines, 2015. Collection method: clinical testing. Allele origin: germline. Inheritance: Autosomal dominant inheritance. Observed: 1 variant allele, 1 heterozygote.
Comment: This missense variant replaces tryptophan with cysteine at codon 676 of the PKP2 protein. Computational prediction is inconclusive regarding the impact of this variant on protein structure and function (internally defined REVEL score threshold 0.5 < inconclusive < 0.7, PMID: 27666373). To our knowledge, functional studies have not been reported for this variant. This variant has not been reported in individuals affected with cardiovascular disorders in the literature. This variant has not been identified in the general population by the Genome Aggregation Database (gnomAD). The available evidence is insufficient to determine the role of this variant in disease conclusively. Therefore, this variant is classified as a Variant of Uncertain Significance.

This study involves interpretation of variants in research participants for the purpose of population health screening. Participant phenotype was not available at the time of variant classification. Additional details can be found in publication PMID: 35346344, PMCID: PMC8962531